The following is an entry in ClinVar:

ClinVar aggregate classification (germline): Likely benign (1 of 4 stars; one submission).

Allele frequency attached by ClinVar (database versions not stated): TOPMed below 0.00001; gnomAD exomes below 0.00001.
gnomAD v4.1: 4 of 1,611,290 alleles (0.00025%); highest among the groups gnomAD compares: Non-Finnish European, 0.00034%; no homozygotes.

Submission:

CeGaT Center for Human Genetics Tuebingen
Classification: Likely benign. Last evaluated: 2026-06-01. Review status: criteria provided, single submitter. Criteria: CeGaT Center For Human Genetics Tuebingen Variant Classification Criteria Version 2. Collection method: clinical testing. Allele origin: germline. Affected: yes. Observed: 2 variant alleles.
Comment: TRIOBP: PM2:Supporting, BP4, BP7

NM_001039141.3(TRIOBP):c.237C>G (p.Leu79=)

Gene: TRIOBP (TRIO and F-actin binding protein; plus strand). Cytogenetic location: 22q13.1.
Variant type: single nucleotide variant.
Coding change: c.237C>G on transcript NM_001039141.3 (MANE Select); coding-DNA position 237, C replaced by G.
Protein change: p.Leu79=; no amino-acid change (leucine 79 retained).
Molecular consequence: synonymous variant.
Genome position (GRCh38, 1-based): chr22:37,710,549, C>G. VCF-style: chr22-37710549-C-G. GRCh37 (hg19) VCF-style: chr22-38106556-C-G.
Identifiers: ClinVar variation 2498905 (VCV002498905.28), dbSNP rs1221426849, ClinGen allele CA514524927.